The following is an entry in ClinVar:

NM_001370259.2(MEN1):c.1424_1432del (p.Ala475_Glu477del)

Gene: MEN1 (menin 1; minus strand). Cytogenetic location: 11q13.1.
Variant type: Deletion.
Coding change: c.1424_1432del on transcript NM_001370259.2 (MANE Select); coding-DNA positions 1424 to 1432, 9 bases deleted (CCCGGGAAG; older notation c.1424_1432delCCCGGGAAG).
Protein change: p.Ala475_Glu477del.
Molecular consequence: inframe deletion.
Genome position (GRCh38, 1-based): chr11:64,804,735-64,804,743, CTTCCCGGG deleted on the plus strand (CCCGGGAAG on the coding strand, the reverse complement: MEN1 is on the minus strand); deleting any 9 consecutive bases within chr11:64,804,735-64,804,748 gives the same sequence; the c. name uses the placement nearest the transcript's 3' end. VCF-style (leftmost placement, unchanged base first): chr11-64804734-CCTTCCCGGG-C. GRCh37 (hg19) VCF-style: chr11-64572206-CCTTCCCGGG-C.
Other names: c.1439_1447del, p.Ala480_Glu482del (NM_130803.3, NM_130804.3, NM_000244.4 and 3 more transcripts); c.1424_1432del, p.Ala475_Glu477del (NM_001370260.2, NM_001370261.2, NM_130799.3); c.1319_1327del, p.Ala440_Glu442del (NM_001370262.2, NM_001370263.2); c.1550_1558del, p.Ala517_Glu519del (NM_001370251.2); c.1424_1432delCCCGGGAAG (NM_130799.2).
Identifiers: ClinVar variation 646761 (VCV000646761.13), dbSNP rs1290740194, ClinGen allele CA599804018.

ClinVar aggregate classification (germline): Conflicting classifications of pathogenicity. Review status: criteria provided, conflicting classifications (1 of 4 stars). 4 submissions from 4 submitters: Uncertain significance (3); Likely benign (1). Last evaluated 2026-02-03.

Conditions:
Multiple endocrine neoplasia, type 1 (MEN1). Also called: Endocrine adenomatosis multiple; MEN 1; MEA I; MEN I; WERMER SYNDROME. Identifiers: Orphanet 652, MedGen C0025267, MeSH D018761, MONDO:0007540, OMIM 131100.
Hereditary cancer-predisposing syndrome. Also called: Hereditary Cancer Syndrome; Tumor predisposition; Neoplastic Syndromes, Hereditary; Hereditary neoplastic syndrome. Identifiers: Orphanet 140162, MedGen C0027672, MeSH D009386, MONDO:0015356.

Submissions (4):

Labcorp Genetics (formerly Invitae), Labcorp
Classification: Likely benign for Multiple endocrine neoplasia, type 1. Last evaluated: 2026-02-03. Review status: criteria provided, single submitter. Criteria: Invitae Variant Classification Sherloc (09022015). Collection method: clinical testing. Allele origin: germline.

Color Diagnostics, LLC DBA Color Health
Classification: Uncertain significance for Multiple endocrine neoplasia, type 1. Last evaluated: 2025-06-18. Review status: criteria provided, single submitter. Criteria: ACMG Guidelines, 2015. Collection method: clinical testing. Allele origin: germline.
Comment: This variant causes the in-frame deletion of four amino acid residues, p.Ala475_Glu477del, in the MEN1 protein. To our knowledge, functional studies have not been reported for this variant. This variant has not been reported in individuals affected with MEN1-related disorders in the literature. This variant has been identified in 2/256364 chromosomes in the general population by the Genome Aggregation Database (gnomAD). The available evidence is insufficient to determine the role of this variant in disease conclusively. Therefore, this variant is classified as a Variant of Uncertain Significance.

Quest Diagnostics Nichols Institute San Juan Capistrano
Classification: Uncertain significance. Last evaluated: 2024-12-23. Review status: criteria provided, single submitter. Criteria: Quest Diagnostics criteria. Collection method: clinical testing. Allele origin: unknown.

Ambry Genetics
Classification: Uncertain significance for Hereditary cancer-predisposing syndrome. Last evaluated: 2023-12-18. Review status: criteria provided, single submitter. Criteria: Ambry Variant Classification Scheme 2023. Collection method: clinical testing. Allele origin: germline.
Comment: The c.1424_1432delCCCGGGAAG variant (also known as p.A475_E477del) is located in coding exon 9 of the MEN1 gene. This variant results from an in-frame CCCGGGAAG deletion at nucleotide positions 1424 to 1432. This results in the in-frame deletion of the alanine, arginine and glutamic acid residues at codon 475 to 477. This amino acid region is not well conserved in available vertebrate species. In addition, this alteration is predicted to be inconclusive by in silico analysis (Choi Y et al. PLoS ONE. 2012; 7(10):e46688). Since supporting evidence is limited at this time, the clinical significance of this alteration remains unclear.